The following is an entry in ClinVar:

ClinVar aggregate classification (somatic clinical impact): Tier I - Strong (1 of 4 stars; one submission).

Conditions:
Malignant glioma. Identifiers: MedGen C0555198, MONDO:0100342, MONDO:0015917.

Submission:

Institute for Genomic Medicine (IGM) Clinical Laboratory, Nationwide Children's Hospital
Classification: Tier I - Strong for Malignant glioma. Assertion type: diagnostic. Clinical significance: supports diagnosis. Last evaluated: 2023-07-25. Review status: criteria provided, single submitter. Criteria: AMP/ASCO/CAP Guidelines, 2017. Collection method: clinical testing. Allele origin: somatic. Affected: yes.
Comment: Variant has Tier I (strong) clinical significance as a diagnostic inclusion criterion in malignant glioma, based on the following evidence: 1) Documented in one or more cancer databases (e.g., St. Jude Pecan, COSMIC, CIViC, OncoKB). 2) Appears in one or more well-established professional guidelines (e.g., World Health Organization [WHO]; National Comprehensive Cancer Network [NCCN]) as providing diagnostic, prognostic, or therapeutic information. 3) Diagnostic for a specific tumor type/classification based on well-powered studies with expert-level consensus (Evidence Level B; PMIDs: 27048880, 28966033, 29967352, 31348837, 32555164, 32680567).

Literature cited by the submitters: PubMed 27048880; PubMed 28966033; PubMed 29967352; PubMed 31348837; PubMed 32555164; PubMed 32680567.

NM_181523.3(PIK3R1):c.1378_1380del (p.Ser460del)

Gene: PIK3R1 (phosphoinositide-3-kinase regulatory subunit 1; plus strand). Cytogenetic location: 5q13.1.
Variant type: Deletion.
Coding change: c.1378_1380del on transcript NM_181523.3 (MANE Select); coding-DNA positions 1378 to 1380, 3 bases deleted (AGT; older notation c.1378_1380delAGT).
Protein change: p.Ser460del; deletes serine 460.
Genome position (GRCh38, 1-based): chr5:68,293,787-68,293,789, AGT deleted. VCF-style (leftmost placement, unchanged base first): chr5-68293786-AAGT-A. GRCh37 (hg19) VCF-style: chr5-67589614-AAGT-A.
Other names: c.289_291del, p.Ser97del (NM_001242466.2); c.568_570del, p.Ser190del (NM_181504.4); c.478_480del, p.Ser160del (NM_181524.2); short protein forms S160del, S190del, S460del, S97del.
Identifiers: ClinVar variation 4530379 (VCV004530379.1).
Genomic context (GRCh38, chr5:68,293,786, plus strand): 5'-AGATAATATTGAAGCTGTAGGGAAAAAATTACATGAATATAACACTCAGTTTCAAGAAAA[AAGT>A]CGAGAATATGATAGATTATATGAAGAATATACCCGCACATCCCAGGTGAGTTTTCTATGA-3'